The following is an entry in ClinVar:

ClinVar aggregate classification (germline): Uncertain significance. Review status: criteria provided, multiple submitters, no conflicts (2 of 4 stars). 2 submissions from 2 submitters: Uncertain significance (2). Last evaluated 2025-04-14.

gnomAD v4.1: 1 of 1,570,052 alleles (0.000064%); highest among the groups gnomAD compares: Non-Finnish European, 0.000086%; no homozygotes.

Submissions (2):

Labcorp Genetics (formerly Invitae), Labcorp
Classification: Uncertain significance. Last evaluated: 2025-04-14. Review status: criteria provided, single submitter. Criteria: Invitae Variant Classification Sherloc (09022015). Collection method: clinical testing. Allele origin: germline.
Comment: This sequence change replaces glycine, which is neutral and non-polar, with valine, which is neutral and non-polar, at codon 26 of the THBD protein (p.Gly26Val). This variant is not present in population databases (gnomAD no frequency). This variant has not been reported in the literature in individuals affected with THBD-related conditions. ClinVar contains an entry for this variant (Variation ID: 3616525). Invitae Evidence Modeling of protein sequence and biophysical properties (such as structural, functional, and spatial information, amino acid conservation, physicochemical variation, residue mobility, and thermodynamic stability) indicates that this missense variant is not expected to disrupt THBD protein function with a negative predictive value of 80%. In summary, the available evidence is currently insufficient to determine the role of this variant in disease. Therefore, it has been classified as a Variant of Uncertain Significance.

Blueprint Genetics
Classification: Uncertain significance. Last evaluated: 2020-02-15. Review status: criteria provided, single submitter. Criteria: ACMG Guidelines, 2015. Collection method: clinical testing. Allele origin: germline.

NM_000361.3(THBD):c.77G>T (p.Gly26Val)

Gene: THBD (thrombomodulin; minus strand). Cytogenetic location: 20p11.21.
Variant type: single nucleotide variant.
Coding change: c.77G>T on transcript NM_000361.3 (MANE Select); coding-DNA position 77, G replaced by T.
Protein change: p.Gly26Val; replaces glycine 26 with valine.
Molecular consequence: missense variant.
Genome position (GRCh38, 1-based): chr20:23,049,428, C>A on the plus strand (G>T on the coding strand, the complement: THBD is on the minus strand). VCF-style: chr20-23049428-C-A. GRCh37 (hg19) VCF-style: chr20-23030065-C-A.
Other names: short protein forms G26V.
Identifiers: ClinVar variation 3616525 (VCV003616525.3).